The following is an entry in ClinVar:

NM_001130987.2(DYSF):c.561del (p.Gly188fs)

Gene: DYSF (dysferlin; plus strand). Cytogenetic location: 2p13.2.
Variant type: Deletion.
Coding change: c.561del on transcript NM_001130987.2 (MANE Select); coding-DNA position 561, one base deleted (A; older notation c.561delA).
Protein change: p.Gly188fs; shifts the reading frame from glycine 188.
Molecular consequence: frameshift variant.
Genome position (GRCh38, 1-based): chr2:71,513,723, A deleted. VCF-style (leftmost placement, unchanged base first): chr2-71513722-GA-G. GRCh37 (hg19) VCF-style: chr2-71740852-GA-G.
Other names: c.468del, p.Gly157fs (NM_001130455.2, NM_001130983.2, NM_001130984.2 and 1 more transcripts); c.465del, p.Gly156fs (NM_001130976.2, NM_001130977.2, NM_001130978.2 and 1 more transcripts); c.558del, p.Gly187fs (NM_001130979.2, NM_001130980.2, NM_001130981.2); c.561del, p.Gly188fs (NM_001130982.2, NM_001130985.2); short protein forms G156fs, G157fs, G187fs, G188fs.
Identifiers: ClinVar variation 1725487 (VCV001725487.5), dbSNP rs2545395225, ClinGen allele CA2580067781.

ClinVar aggregate classification (germline): Pathogenic/Likely pathogenic. Review status: criteria provided, multiple submitters, no conflicts (2 of 4 stars). 2 submissions from 2 submitters: Pathogenic (1); Likely pathogenic (1). Last evaluated 2024-11-20.

Conditions:
Autosomal recessive limb-girdle muscular dystrophy. Identifiers: Orphanet 102015, MedGen C2931907, MONDO:0015152.
Neuromuscular disease caused by qualitative or quantitative defects of dysferlin. Also called: Dysferlinopathy; Qualitative or quantitative defects of dysferlin. Identifiers: Orphanet 207073, MedGen C2931687, MONDO:0016145.

Submissions (2):

Labcorp Genetics (formerly Invitae), Labcorp
Classification: Pathogenic for Neuromuscular disease caused by qualitative or quantitative defects of dysferlin. Last evaluated: 2024-11-20. Review status: criteria provided, single submitter. Criteria: Invitae Variant Classification Sherloc (09022015). Collection method: clinical testing. Allele origin: germline.
Comment: This sequence change creates a premature translational stop signal (p.Gly156Glufs*71) in the DYSF gene. It is expected to result in an absent or disrupted protein product. Loss-of-function variants in DYSF are known to be pathogenic (PMID: 17698709, 20301480). This variant is not present in population databases (gnomAD no frequency). This variant has not been reported in the literature in individuals affected with DYSF-related conditions. ClinVar contains an entry for this variant (Variation ID: 1725487). For these reasons, this variant has been classified as Pathogenic.

Myriad Genetics, Inc.
Classification: Likely pathogenic for Autosomal recessive limb-girdle muscular dystrophy. Last evaluated: 2022-03-29. Review status: criteria provided, single submitter. Criteria: Myriad Autosomal Dominant, Autosomal Recessive and X-Linked Classification Criteria (2023). Collection method: clinical testing. Allele origin: unknown.
Comment: NM_003494.3(DYSF):c.465delA(G156Efs*71) is expected to be pathogenic in the context of dysferlinopathy. This variant is predicted to lead to an abnormal or absent protein product due to the creation of a premature termination codon in DYSF, a gene where loss-of-function variants are known to be pathogenic. Please note: this variant was assessed in the context of healthy population screening.

Literature cited by the submitters: PubMed 17698709 (cited by Labcorp Genetics (formerly Invitae), Labcorp); PubMed 20301480 (cited by Labcorp Genetics (formerly Invitae), Labcorp).